The following is an entry in ClinVar:

NM_000051.4(ATM):c.8419-1G>C

Genes: ATM (ATM serine/threonine kinase; plus strand), C11orf65 (chromosome 11 open reading frame 65; minus strand). Cytogenetic location: 11q22.3.
Variant type: single nucleotide variant.
Coding change: c.8419-1G>C on transcript NM_000051.4 (MANE Select); the canonical splice acceptor site of the intron before coding-DNA position 8419, G replaced by C.
Molecular consequence: splice acceptor variant. On other transcripts: intron variant (2).
Genome position (GRCh38, 1-based): chr11:108,345,742, G>C. VCF-style: chr11-108345742-G-C. GRCh37 (hg19) VCF-style: chr11-108216469-G-C.
Other names: c.8419-1G>C (NM_001351834.2); c.641-36671C>G (NM_001330368.2); c.695-10450C>G (NM_001351110.2).
Identifiers: ClinVar variation 490732 (VCV000490732.11), dbSNP rs1555137920, ClinGen allele CA382517704.

ClinVar aggregate classification (germline): Likely pathogenic. Review status: criteria provided, multiple submitters, no conflicts (2 of 4 stars). 2 submissions from 2 submitters: Likely pathogenic (2). Last evaluated 2022-01-31.

Conditions:
Hereditary cancer-predisposing syndrome. Also called: Hereditary Cancer Syndrome; Neoplastic Syndromes, Hereditary; Tumor predisposition; Hereditary neoplastic syndrome. Identifiers: Orphanet 140162, MedGen C0027672, MeSH D009386, MONDO:0015356.

Submissions (2):

Color Diagnostics, LLC DBA Color Health
Classification: Likely pathogenic for Hereditary cancer-predisposing syndrome. Last evaluated: 2022-01-31. Review status: criteria provided, single submitter. Criteria: ACMG Guidelines, 2015. Collection method: clinical testing. Allele origin: germline.
Comment: This variant causes a G to C nucleotide substitution at the -1 position of intron 57 of the ATM gene. Splice site prediction tools predict that this variant may have a significant impact on RNA splicing. Although this prediction has not been confirmed in published RNA studies, this variant is expected to result in an absent or disrupted protein product. This variant has not been reported in individuals affected with hereditary cancer in the literature. This variant has not been identified in the general population by the Genome Aggregation Database (gnomAD). Loss of ATM function is a known mechanism of disease. Based on the available evidence, this variant is classified as Likely Pathogenic.

Ambry Genetics
Classification: Likely pathogenic for Hereditary cancer-predisposing syndrome. Last evaluated: 2019-03-11. Review status: criteria provided, single submitter. Criteria: Ambry Variant Classification Scheme 2023. Collection method: clinical testing. Allele origin: germline.
Comment: The c.8419-1G>C intronic variant results from a G to C substitution one nucleotide upstream from coding exon 57 of the ATM gene. This nucleotide position is highly conserved in available vertebrate species. Using the BDGP and ESEfinder splice site prediction tools, this alteration is predicted to abolish the native splice acceptor site; however, direct evidence is unavailable. Alterations that disrupt the canonical splice site are expected to cause aberrant splicing, resulting in an abnormal protein or a transcript that is subject to nonsense-mediated mRNA decay. As such, this alteration is classified as likely pathogenic.